The following is an entry in ClinVar:

ClinVar aggregate classification (germline): Likely benign. Review status: criteria provided, multiple submitters, no conflicts (2 of 4 stars). 2 submissions from 2 submitters: Likely benign (2). Last evaluated 2023-09-17.

Conditions:
Catecholaminergic polymorphic ventricular tachycardia (CVPT). Also called: Catecholamine-induced polymorphic ventricular tachycardia. Identifiers: Orphanet 3286, MedGen C5574922, MONDO:0017990.
Cardiomyopathy (CMYO). Also called: Cardiomyopathies. Identifiers: Orphanet 167848, MedGen C0878544, MONDO:0004994, HP:0001638. Inheritance: Various modes of inheritance.

Submissions (2):

All of Us Research Program, National Institutes of Health
Classification: Likely benign for Catecholaminergic polymorphic ventricular tachycardia. Last evaluated: 2023-09-17. Review status: criteria provided, single submitter. Criteria: ACMG Guidelines, 2015. Collection method: clinical testing. Allele origin: germline. Inheritance: Autosomal dominant inheritance. Observed: 1 variant allele, 1 heterozygote.
Comment: This study involves interpretation of variants in research participants for the purpose of population health screening. Participant phenotype was not available at the time of variant classification. Additional details can be found in publication PMID: 35346344, PMCID: PMC8962531

Color Diagnostics, LLC DBA Color Health
Classification: Likely benign for Cardiomyopathy. Last evaluated: 2023-09-06. Review status: criteria provided, single submitter. Criteria: ACMG Guidelines, 2015. Collection method: clinical testing. Allele origin: germline.

NM_001035.3(RYR2):c.7440T>A (p.Val2480=)

Gene: RYR2 (ryanodine receptor 2; plus strand). Cytogenetic location: 1q43.
Variant type: single nucleotide variant.
Coding change: c.7440T>A on transcript NM_001035.3 (MANE Select); coding-DNA position 7440, T replaced by A.
Protein change: p.Val2480=; no amino-acid change (valine 2480 retained).
Molecular consequence: synonymous variant.
Genome position (GRCh38, 1-based): chr1:237,648,541, T>A. VCF-style: chr1-237648541-T-A. GRCh37 (hg19) VCF-style: chr1-237811841-T-A.
Identifiers: ClinVar variation 3073367 (VCV003073367.2), dbSNP rs2547026172, ClinGen allele CA423819729.